The following is an entry in ClinVar:

NM_024675.4(PALB2):c.596T>G (p.Leu199Arg)

Gene: PALB2 (partner and localizer of BRCA2; minus strand). Cytogenetic location: 16p12.2.
Variant type: single nucleotide variant.
Coding change: c.596T>G on transcript NM_024675.4 (MANE Select); coding-DNA position 596, T replaced by G.
Protein change: p.Leu199Arg; replaces leucine 199 with arginine.
Molecular consequence: missense variant.
Genome position (GRCh38, 1-based): chr16:23,635,950, A>C on the plus strand (T>G on the coding strand, the complement: PALB2 is on the minus strand). VCF-style: chr16-23635950-A-C. GRCh37 (hg19) VCF-style: chr16-23647271-A-C.
Other names: c.536T>G, p.Leu179Arg (NM_001407296.1); c.596T>G, p.Leu199Arg (NM_001407297.1, NM_001407298.1, NM_001407299.1 and 3 more transcripts); c.-290T>G (NM_001407304.1, NM_001407305.1, NM_001407306.1 and 5 more transcripts); short protein forms L179R, L199R.
Identifiers: ClinVar variation 1750785 (VCV001750785.2), dbSNP rs2142439574, ClinGen allele CA395136702.

ClinVar aggregate classification (germline): Uncertain significance (1 of 4 stars; one submission).

Conditions:
Hereditary cancer-predisposing syndrome. Also called: Hereditary Cancer Syndrome; Hereditary neoplastic syndrome; Neoplastic Syndromes, Hereditary; Tumor predisposition. Identifiers: Orphanet 140162, MedGen C0027672, MeSH D009386, MONDO:0015356.

Submission:

Ambry Genetics
Classification: Uncertain significance for Hereditary cancer-predisposing syndrome. Last evaluated: 2021-11-21. Review status: criteria provided, single submitter. Criteria: Ambry Variant Classification Scheme 2023. Collection method: clinical testing. Allele origin: germline.
Comment: The p.L199R variant (also known as c.596T>G), located in coding exon 4 of the PALB2 gene, results from a T to G substitution at nucleotide position 596. The leucine at codon 199 is replaced by arginine, an amino acid with dissimilar properties. This amino acid position is conserved. In addition, this alteration is predicted to be tolerated by in silico analysis. Since supporting evidence is limited at this time, the clinical significance of this alteration remains unclear.